The following is an entry in ClinVar:

NM_001048174.2(MUTYH):c.1543A>G (p.Ser515Gly)

Gene: MUTYH (mutY DNA glycosylase; minus strand). Cytogenetic location: 1p34.1.
Variant type: single nucleotide variant.
Coding change: c.1543A>G on transcript NM_001048174.2 (MANE Select); coding-DNA position 1543, A replaced by G.
Protein change: p.Ser515Gly; replaces serine 515 with glycine.
Molecular consequence: missense variant. On other transcripts: non-coding transcript variant (7).
Genome position (GRCh38, 1-based): chr1:45,329,329, T>C on the plus strand (A>G on the coding strand, the complement: MUTYH is on the minus strand). VCF-style: chr1-45329329-T-C. GRCh37 (hg19) VCF-style: chr1-45795001-T-C.
Other names: c.1543A>G, p.Ser515Gly (NM_001293195.2, NM_001407073.1, NM_001407070.1 and 6 more transcripts); c.1267A>G, p.Ser423Gly (NM_001293196.2, NM_001293192.2, NM_001407091.1); c.1198A>G, p.Ser400Gly (NM_001350650.2, NM_001350651.2, NM_001407082.1); c.1576A>G, p.Ser526Gly (NM_001407069.1, NM_001293191.2, NM_001407077.1); c.1546A>G, p.Ser516Gly (NM_001407071.1, NM_001048172.2, NM_001407078.1 and 1 more transcripts); c.1627A>G, p.Ser543Gly (NM_001128425.2); c.1588A>G, p.Ser530Gly (NM_001293190.2); c.1459A>G, p.Ser487Gly (NM_001407075.1); and 5 more; short protein forms S400G, S502G, S530G, S423G, S501G, S540G, S487G, S516G.
Identifiers: ClinVar variation 4113461 (VCV004113461.1).

ClinVar aggregate classification (germline): Uncertain significance (1 of 4 stars; one submission).

Conditions:
Hereditary cancer-predisposing syndrome. Also called: Hereditary neoplastic syndrome; Neoplastic Syndromes, Hereditary; Tumor predisposition; Hereditary Cancer Syndrome. Identifiers: Orphanet 140162, MedGen C0027672, MeSH D009386, MONDO:0015356.

gnomAD v4.1: 1 of 1,614,196 alleles (0.000062%); highest among the groups gnomAD compares: Non-Finnish European, 0.000085%; no homozygotes.

Submission:

Ambry Genetics
Classification: Uncertain significance for Hereditary cancer-predisposing syndrome. Last evaluated: 2025-08-27. Review status: criteria provided, single submitter. Criteria: Ambry Variant Classification Scheme 2023. Collection method: clinical testing. Allele origin: germline.
Comment: The p.S543G variant (also known as c.1627A>G), located in coding exon 16 of the MUTYH gene, results from an A to G substitution at nucleotide position 1627. The serine at codon 543 is replaced by glycine, an amino acid with similar properties. This amino acid position is conserved. In addition, this alteration is predicted to be tolerated by in silico analysis. Based on the available evidence, the clinical significance of this variant remains unclear.